The following is an entry in ClinVar:

ClinVar aggregate classification (germline): Conflicting classifications of pathogenicity. Review status: criteria provided, conflicting classifications (1 of 4 stars). 2 submissions from 2 submitters: Uncertain significance (1); Likely benign (1). Last evaluated 2022-06-02.

Conditions:
Hereditary cancer-predisposing syndrome. Also called: Hereditary Cancer Syndrome; Neoplastic Syndromes, Hereditary; Tumor predisposition; Hereditary neoplastic syndrome. Identifiers: Orphanet 140162, MedGen C0027672, MeSH D009386, MONDO:0015356.

Submissions (2):

Ambry Genetics
Classification: Likely benign for Hereditary cancer-predisposing syndrome. Last evaluated: 2022-06-02. Review status: criteria provided, single submitter. Criteria: Ambry Variant Classification Scheme 2023. Collection method: clinical testing. Allele origin: germline.

Labcorp Genetics (formerly Invitae), Labcorp
Classification: Uncertain significance. Last evaluated: 2020-02-20. Review status: criteria provided, single submitter. Criteria: Invitae Variant Classification Sherloc (09022015). Collection method: clinical testing. Allele origin: germline.
Comment: This sequence change replaces serine with glycine at codon 1208 of the POLE protein (p.Ser1208Gly). The serine residue is weakly conserved and there is a small physicochemical difference between serine and glycine. This variant is not present in population databases (ExAC no frequency). This variant has not been reported in the literature in individuals with POLE-related conditions. Algorithms developed to predict the effect of missense changes on protein structure and function output the following: SIFT: "Tolerated"; PolyPhen-2: "Benign"; Align-GVGD: "Class C0". The glycine amino acid residue is found in multiple mammalian species, suggesting that this missense change does not adversely affect protein function. These predictions have not been confirmed by published functional studies and their clinical significance is uncertain. In summary, the available evidence is currently insufficient to determine the role of this variant in disease. Therefore, it has been classified as a Variant of Uncertain Significance.

NM_006231.4(POLE):c.3622A>G (p.Ser1208Gly)

Gene: POLE (DNA polymerase epsilon, catalytic subunit; minus strand). Cytogenetic location: 12q24.33.
Variant type: single nucleotide variant.
Coding change: c.3622A>G on transcript NM_006231.4 (MANE Select); coding-DNA position 3622, A replaced by G.
Protein change: p.Ser1208Gly; replaces serine 1208 with glycine.
Molecular consequence: missense variant.
Genome position (GRCh38, 1-based): chr12:132,649,850, T>C on the plus strand (A>G on the coding strand, the complement: POLE is on the minus strand). VCF-style: chr12-132649850-T-C. GRCh37 (hg19) VCF-style: chr12-133226436-T-C.
Other names: short protein forms S1208G.
Identifiers: ClinVar variation 1022108 (VCV001022108.11), dbSNP rs1207616449, ClinGen allele CA387386950.
Genomic context (GRCh38, chr12:132,649,850, plus strand): 5'-TGACAGGGGCTGCTGGGTGAGGCAGCTTTACGAGGCCGAAGTCCTCCATGTCAGGAGCAC[T>C]TGGCCTCGGACTGTCTTCTGAGGCCTCGGCCATCGTGACCTGGAAAGACCCAGTGAAGCC-3'
Protein context (NP_006222.2, residues 1198-1218): AEASEDSPRP[Ser1208Gly]APDMEDFGLV